The following is an entry in ClinVar:

NM_014974.3(DIP2C):c.1863C>T (p.Asp621=)

Gene: DIP2C (DIP2 acetate--CoA ligase C (putative); minus strand). Cytogenetic location: 10p15.3.
Variant type: single nucleotide variant.
Coding change: c.1863C>T on transcript NM_014974.3 (MANE Select); coding-DNA position 1863, C replaced by T.
Protein change: p.Asp621=; no amino-acid change (aspartic acid 621 retained).
Molecular consequence: synonymous variant.
Genome position (GRCh38, 1-based): chr10:384,040, G>A on the plus strand (C>T on the coding strand, the complement: DIP2C is on the minus strand). VCF-style: chr10-384040-G-A. GRCh37 (hg19) VCF-style: chr10-429980-G-A.
Identifiers: ClinVar variation 771174 (VCV000771174.12), dbSNP rs112940959, ClinGen allele CA5380737.

ClinVar aggregate classification (germline): Benign. Review status: criteria provided, multiple submitters, no conflicts (2 of 4 stars). 3 submissions from 3 submitters: Benign (2). 1 of the submissions does not count toward it. Last evaluated 2026-01-27.

Conditions:
DIP2C-related disorder. Also called: DIP2C-related condition.

Allele frequency attached by ClinVar (database versions not stated): TOPMed 0.00757; gnomAD 0.00638 and 0.00626; ESP Exome Variant Server 0.00630; 1000 Genomes Project 0.00759; ExAC 0.00492; gnomAD exomes 0.00293 and 0.00495; 1000 Genomes Project 30x 0.00921.
gnomAD v4.1: 5,455 of 1,603,402 alleles (0.34%); highest among the groups gnomAD compares: Middle Eastern, 1.6%; 36 homozygotes.

Submissions (3):

Labcorp Genetics (formerly Invitae), Labcorp
Classification: Benign. Last evaluated: 2026-01-27. Review status: criteria provided, single submitter. Criteria: Invitae Variant Classification Sherloc (09022015). Collection method: clinical testing. Allele origin: germline.

Breakthrough Genomics
Classification: Benign. Review status: criteria provided, single submitter. Criteria: ACMG Guidelines, 2015. Collection method: not provided. Allele origin: germline. Inheritance: Unknown mechanism. Affected: yes.

PreventionGenetics, part of Exact Sciences
Classification: Benign for DIP2C-related condition. Last evaluated: 2019-06-11. Review status: no assertion criteria provided. Collection method: clinical testing. Allele origin: germline. Not counted in ClinVar's aggregate classification.
Comment: This variant is classified as benign based on ACMG/AMP sequence variant interpretation guidelines (Richards et al. 2015 PMID: 25741868, with internal and published modifications).